The following is an entry in ClinVar:

NM_002618.4(PEX13):c.566G>A (p.Arg189Gln)

Gene: PEX13 (peroxisomal biogenesis factor 13; plus strand). Cytogenetic location: 2p15.
Variant type: single nucleotide variant.
Coding change: c.566G>A on transcript NM_002618.4 (MANE Select); coding-DNA position 566, G replaced by A.
Protein change: p.Arg189Gln; replaces arginine 189 with glutamine.
Molecular consequence: missense variant.
Genome position (GRCh38, 1-based): chr2:61,031,892, G>A. VCF-style: chr2-61031892-G-A. GRCh37 (hg19) VCF-style: chr2-61259027-G-A.
Other names: c.566G>A (NM_002618.3); short protein forms R189Q.
Identifiers: ClinVar variation 1001791 (VCV001001791.7), dbSNP rs777179456, ClinGen allele CA1673313.

ClinVar aggregate classification (germline): Uncertain significance. Review status: criteria provided, multiple submitters, no conflicts (2 of 4 stars). 2 submissions from 2 submitters: Uncertain significance (2). Last evaluated 2023-10-30.

Conditions:
Peroxisome biogenesis disorder 11A (Zellweger). Also called: Peroxisome biogenesis disorder 11A. Identifiers: Orphanet 912, MedGen C3554000, MONDO:0013949, OMIM 614883.

Allele frequency attached by ClinVar (database versions not stated): TOPMed below 0.00001.
gnomAD v4.1: 29 of 1,613,454 alleles (0.0018%); highest among the groups gnomAD compares: South Asian, 0.0088%; no homozygotes.

Submissions (2):

Revvity Omics, Revvity
Classification: Uncertain significance. Last evaluated: 2023-10-30. Review status: criteria provided, single submitter. Criteria: ACMG Guidelines, 2015. Collection method: clinical testing. Allele origin: germline.

Labcorp Genetics (formerly Invitae), Labcorp
Classification: Uncertain significance for Peroxisome biogenesis disorder 11A (Zellweger). Last evaluated: 2022-07-29. Review status: criteria provided, single submitter. Criteria: Invitae Variant Classification Sherloc (09022015). Collection method: clinical testing. Allele origin: germline.
Comment: This sequence change replaces arginine, which is basic and polar, with glutamine, which is neutral and polar, at codon 189 of the PEX13 protein (p.Arg189Gln). This variant is present in population databases (rs777179456, gnomAD 0.003%). This variant has not been reported in the literature in individuals affected with PEX13-related conditions. ClinVar contains an entry for this variant (Variation ID: 1001791). Algorithms developed to predict the effect of missense changes on protein structure and function are either unavailable or do not agree on the potential impact of this missense change (SIFT: "Tolerated"; PolyPhen-2: "Probably Damaging"; Align-GVGD: "Class C0"). In summary, the available evidence is currently insufficient to determine the role of this variant in disease. Therefore, it has been classified as a Variant of Uncertain Significance.